The following is an entry in ClinVar:

ClinVar aggregate classification (germline): Uncertain significance (1 of 4 stars; one submission).

gnomAD v4.1: 38 of 1,613,022 alleles (0.0024%); highest among the groups gnomAD compares: Middle Eastern, 0.016%; no homozygotes.

Submission:

Ambry Genetics
Classification: Uncertain significance. Last evaluated: 2024-11-18. Review status: criteria provided, single submitter. Criteria: Ambry Variant Classification Scheme 2023. Collection method: clinical testing. Allele origin: germline.
Comment: The p.G2199R variant (also known as c.6595G>A), located in coding exon 28 of the WNK2 gene, results from a G to A substitution at nucleotide position 6595. The glycine at codon 2199 is replaced by arginine, an amino acid with dissimilar properties. This amino acid position is conserved. In addition, the in silico prediction for this alteration is inconclusive. Based on the available evidence, the clinical significance of this variant remains unclear.

NM_006648.4(WNK2):c.6595G>A (p.Gly2199Arg)

Gene: WNK2 (WNK lysine deficient protein kinase 2; plus strand). Cytogenetic location: 9q22.31.
Variant type: single nucleotide variant.
Coding change: c.6595G>A on transcript NM_006648.4 (MANE Select); coding-DNA position 6595, G replaced by A.
Protein change: p.Gly2199Arg; replaces glycine 2199 with arginine.
Molecular consequence: missense variant.
Genome position (GRCh38, 1-based): chr9:93,317,598, G>A. VCF-style: chr9-93317598-G-A. GRCh37 (hg19) VCF-style: chr9-96079880-G-A.
Other names: c.6706G>A, p.Gly2236Arg (NM_001282394.3); short protein forms G2199R, G2236R.
Identifiers: ClinVar variation 3470166 (VCV003470166.1).